The following is an entry in ClinVar:

ClinVar aggregate classification (germline): Conflicting classifications of pathogenicity. Review status: criteria provided, conflicting classifications (1 of 4 stars). 4 submissions from 4 submitters: Uncertain significance (1); Benign (1); Likely benign (2). Last evaluated 2026-07-16.

Conditions:
Hereditary cancer-predisposing syndrome. Also called: Hereditary Cancer Syndrome; Tumor predisposition; Hereditary neoplastic syndrome; Neoplastic Syndromes, Hereditary. Identifiers: Orphanet 140162, MedGen C0027672, MeSH D009386, MONDO:0015356.
Intellectual disability, autosomal dominant 16 (CSS4). Also called: COFFIN-SIRIS SYNDROME 4. Identifiers: Orphanet 1465, MedGen C3553249, MONDO:0013821, OMIM 614609.
Rhabdoid tumor predisposition syndrome 2 (RTPS2). Identifiers: Orphanet 231108, Orphanet 69077, MedGen C2750074, MONDO:0013224, OMIM 613325.

gnomAD v4.1: 2 of 1,611,346 alleles (0.00012%); highest among the groups gnomAD compares: Non-Finnish European, 0.00017%; no homozygotes.

Submissions (4):

Myriad Genetics, Inc.
Classification: Benign for Rhabdoid tumor predisposition syndrome 2. Last evaluated: 2026-07-16. Review status: criteria provided, single submitter. Criteria: Myriad Autosomal Dominant, Autosomal Recessive and X-Linked Classification Criteria (2023). Collection method: clinical testing. Allele origin: unknown.
Comment: This variant is considered benign. This variant is a silent/synonymous amino acid change and it is not expected to impact splicing.

Labcorp Genetics (formerly Invitae), Labcorp
Classification: Likely benign for Rhabdoid tumor predisposition syndrome 2. Last evaluated: 2026-01-19. Review status: criteria provided, single submitter. Criteria: Invitae Variant Classification Sherloc (09022015). Collection method: clinical testing. Allele origin: germline.

Genome-Nilou Lab
Classification: Uncertain significance for Intellectual disability, autosomal dominant 16. Last evaluated: 2021-07-15. Review status: criteria provided, single submitter. Criteria: ACMG Guidelines, 2015. Collection method: clinical testing. Allele origin: germline. Affected: no.

Ambry Genetics
Classification: Likely benign for Hereditary cancer-predisposing syndrome. Last evaluated: 2018-12-28. Review status: criteria provided, single submitter. Criteria: Ambry Variant Classification Scheme 2023. Collection method: clinical testing. Allele origin: germline.

NM_003072.5(SMARCA4):c.4188G>T (p.Thr1396=)

Gene: SMARCA4 (SWI/SNF related BAF chromatin remodeling complex subunit ATPase 4; plus strand). Cytogenetic location: 19p13.2.
Variant type: single nucleotide variant.
Coding change: c.4188G>T on transcript NM_003072.5 (MANE Select); coding-DNA position 4188, G replaced by T.
Protein change: p.Thr1396=; no amino-acid change (threonine 1396 retained).
Molecular consequence: synonymous variant. On other transcripts: non-coding transcript variant (1).
Genome position (GRCh38, 1-based): chr19:11,041,324, G>T. VCF-style: chr19-11041324-G-T. GRCh37 (hg19) VCF-style: chr19-11152000-G-T.
Other names: c.4188G>T, p.Thr1396= (NM_001128844.3); c.4098G>T, p.Thr1366= (NM_001128845.2, NM_001128846.2); c.4089G>T, p.Thr1363= (NM_001128847.4, NM_001128848.2, NM_001374457.1); c.4284G>T, p.Thr1428= (NM_001128849.3, NM_001387283.1).
Identifiers: ClinVar variation 220671 (VCV000220671.31), dbSNP rs199847974, ClinGen allele CA348017.